The following is an entry in ClinVar:

NM_032444.4(SLX4):c.528A>C (p.Lys176Asn)

Gene: SLX4 (SLX4 structure-specific endonuclease subunit; minus strand). Cytogenetic location: 16p13.3.
Variant type: single nucleotide variant.
Coding change: c.528A>C on transcript NM_032444.4 (MANE Select); coding-DNA position 528, A replaced by C.
Protein change: p.Lys176Asn; replaces lysine 176 with asparagine.
Molecular consequence: missense variant.
Genome position (GRCh38, 1-based): chr16:3,608,437, T>G on the plus strand (A>C on the coding strand, the complement: SLX4 is on the minus strand). VCF-style: chr16-3608437-T-G. GRCh37 (hg19) VCF-style: chr16-3658438-T-G.
Other names: c.528A>C (LRG_503t1); short protein forms K176N.
Identifiers: ClinVar variation 241696 (VCV000241696.8), dbSNP rs778569160, ClinGen allele CA10583394.

ClinVar aggregate classification (germline): Uncertain significance (1 of 4 stars; one submission).

Conditions:
Fanconi anemia (FA). Also called: Fanconi's anemia. Identifiers: Orphanet 84, MedGen C0015625, MeSH D005199, MONDO:0019391.

gnomAD v4.1: 1 of 1,614,202 alleles (0.000062%); highest among the groups gnomAD compares: African/African-American, 0.0013%; no homozygotes.

Submission:

Labcorp Genetics (formerly Invitae), Labcorp
Classification: Uncertain significance for Fanconi anemia. Last evaluated: 2016-02-23. Review status: criteria provided, single submitter. Criteria: Invitae Variant Classification Sherloc (09022015). Collection method: clinical testing. Allele origin: germline.
Comment: This sequence change replaces lysine with asparagine at codon 176 of the SLX4 protein (p.Lys176Asn). The lysine residue is weakly conserved and there is a moderate physicochemical difference between lysine and asparagine. In summary, this variant is a novel missense change that is not predicted to affect protein function. There is no indication that it causes disease, but the available evidence is currently insufficient to prove that conclusively. Therefore, it has been classified as a Variant of Uncertain Significance. Algorithms developed to predict the effect of missense changes on protein structure and function (SIFT, PolyPhen-2, Align-GVGD) all suggest that this variant is likely to be tolerated, but these predictions have not been confirmed by published functional studies. This variant is not present in population databases (ExAC no frequency) and has not been reported in the literature in individuals with a SLX4-related disease.